The following is an entry in ClinVar:

NM_173354.5(SIK1):c.1463G>T (p.Cys488Phe)

Gene: SIK1 (salt inducible kinase 1; minus strand). Cytogenetic location: 21q22.3.
Variant type: single nucleotide variant.
Coding change: c.1463G>T on transcript NM_173354.5 (MANE Select); coding-DNA position 1463, G replaced by T.
Protein change: p.Cys488Phe; replaces cysteine 488 with phenylalanine.
Molecular consequence: missense variant.
Genome position (GRCh38, 1-based): chr21:43,418,541, C>A on the plus strand (G>T on the coding strand, the complement: SIK1 is on the minus strand). VCF-style: chr21-43418541-C-A. GRCh37 (hg19) VCF-style: chr21-44838421-C-A.
Other names: short protein forms C488F.
Identifiers: ClinVar variation 1878643 (VCV001878643.4), dbSNP rs769962713, ClinGen allele CA321325547.

ClinVar aggregate classification (germline): Uncertain significance. Review status: criteria provided, multiple submitters, no conflicts (2 of 4 stars). 2 submissions from 2 submitters: Uncertain significance (2). Last evaluated 2024-02-05.

Conditions:
Developmental and epileptic encephalopathy, 30 (DEE30). Also called: Epileptic encephalopathy, early infantile, 30. Identifiers: MedGen C4225360, MONDO:0014595, OMIM 616341.

Submissions (2):

Labcorp Genetics (formerly Invitae), Labcorp
Classification: Uncertain significance for Developmental and epileptic encephalopathy, 30. Last evaluated: 2024-02-05. Review status: criteria provided, single submitter. Criteria: Invitae Variant Classification Sherloc (09022015). Collection method: clinical testing. Allele origin: germline.
Comment: This sequence change replaces cysteine, which is neutral and slightly polar, with phenylalanine, which is neutral and non-polar, at codon 488 of the SIK1 protein (p.Cys488Phe). This variant is present in population databases (rs769962713, gnomAD 0.01%). This variant has not been reported in the literature in individuals affected with SIK1-related conditions. ClinVar contains an entry for this variant (Variation ID: 1878643). An algorithm developed to predict the effect of missense changes on protein structure and function (PolyPhen-2) suggests that this variant is likely to be disruptive. Algorithms developed to predict the effect of sequence changes on RNA splicing suggest that this variant may disrupt the consensus splice site. In summary, the available evidence is currently insufficient to determine the role of this variant in disease. Therefore, it has been classified as a Variant of Uncertain Significance.

Neuberg Centre For Genomic Medicine, NCGM
Classification: Uncertain significance for Developmental and epileptic encephalopathy, 30. Review status: criteria provided, single submitter. Criteria: ACMG Guidelines, 2015. Collection method: clinical testing. Allele origin: germline. Affected: yes.
Comment: The missense variant p.C488F in SIK1 (NM_173354.4) has not been reported previously as a pathogenic variant nor as a benign variant, to our knowledge.It is observed in 3/30492 (0.0098%) alleles from individuals of South Asian background in the gnomAD dataset There is a large physicochemical difference between cysteine and phenylalanine, which is likely to impact secondary protein structure as these residues differ in polarity, charge, size and/or other properties. The p.C488F missense variant is predicted to be damaging by both SIFT and PolyPhen2. The nucleotide c.1463 in SIK1 is predicted conserved by GERP++ and PhyloP across 100 vertebrates. For these reasons, this variant has been classified as Uncertain Significance.